The following is an entry in ClinVar:

NM_000256.3(MYBPC3):c.3514T>A (p.Tyr1172Asn)

Gene: MYBPC3 (myosin binding protein C3; minus strand). Cytogenetic location: 11p11.2.
Variant type: single nucleotide variant.
Coding change: c.3514T>A on transcript NM_000256.3 (MANE Select); coding-DNA position 3514, T replaced by A.
Protein change: p.Tyr1172Asn; replaces tyrosine 1172 with asparagine.
Molecular consequence: missense variant.
Genome position (GRCh38, 1-based): chr11:47,332,679, A>T on the plus strand (T>A on the coding strand, the complement: MYBPC3 is on the minus strand). VCF-style: chr11-47332679-A-T. GRCh37 (hg19) VCF-style: chr11-47354230-A-T.
Other names: short protein forms Y1172N.
Identifiers: ClinVar variation 4885665 (VCV004885665.2).

ClinVar aggregate classification (germline): Uncertain significance (1 of 4 stars; one submission).

gnomAD v4.1: 1 of 1,612,262 alleles (0.000062%); highest among the groups gnomAD compares: Admixed American, 0.0017%; no homozygotes.

Submission:

Dasa
Classification: Uncertain significance. Last evaluated: 2025-12-30. Review status: criteria provided, single submitter. Criteria: DASA Assertion Criteria. Collection method: clinical testing. Allele origin: germline.
Comment: NM_000256.3(MYBPC3):c.3514T>A (p.Tyr1172Asn) is a missense variant that results in the substitution of tyrosine with asparagine. This variant is rare in population databases. Computational prediction algorithms are consistent with a benign effect. The currently available literature and clinical evidence are not sufficient to establish a definitive association between this variant and the reported condition. Therefore, this variant is classified as a variant of uncertain significance.